The following is an entry in ClinVar:

NM_015275.3(WASHC4):c.1516_1517del (p.Gln506fs)

Gene: WASHC4 (WASH complex subunit 4; plus strand). Cytogenetic location: 12q23.3.
Variant type: Microsatellite.
Coding change: c.1516_1517del on transcript NM_015275.3 (MANE Select); coding-DNA positions 1516 to 1517, 2 bases deleted (CA; older notation c.1516_1517delCA).
Protein change: p.Gln506fs; shifts the reading frame from glutamine 506.
Molecular consequence: frameshift variant.
Genome position (GRCh38, 1-based): chr12:105,140,357-105,140,358, CA deleted; deleting any 2 consecutive bases within chr12:105,140,354-105,140,358 gives the same sequence; the c. name uses the placement nearest the transcript's 3' end. VCF-style (leftmost placement, unchanged base first): chr12-105140353-AAC-A. GRCh37 (hg19) VCF-style: chr12-105534131-AAC-A.
Other names: c.1519_1520del, p.Gln507fs (NM_001293640.2); short protein forms Q506fs, Q507fs.
Identifiers: ClinVar variation 4880707 (VCV004880707.2).
Genomic context (GRCh38, chr12:105,140,353, plus strand): 5'-GGCAATAGAGCATATGTTCTACAGGAGAAGCATGGTTGTGGCTGATTCAGTTTCACATAT[AAC>A]ACAGCACCTTCAACATCAGGCTCTTCATTCTATTTCTGTGGCCAAGGTATGCAGCTTATT-3'

ClinVar aggregate classification (germline): Likely pathogenic (1 of 4 stars; one submission).

Submission:

Dasa
Classification: Likely pathogenic. Last evaluated: 2024-08-11. Review status: criteria provided, single submitter. Criteria: DASA Assertion Criteria. Collection method: clinical testing. Allele origin: germline.
Comment: NM_015275.3(WASHC4):c.1516_1517del (p.Gln506Alafs*20) is a frameshift variant in WASHC4 predicted to alter the reading frame and introduce a premature termination codon and is predicted to result in an absent or altered protein product. Loss of function is an established disease mechanism for WASHC4-associated disorders. Also, this variant is absent from population databases. Based on the currently available evidence, this variant is classified as likely pathogenic.